The following is an entry in ClinVar:

NM_001170535.3(ATAD3A):c.283-158G>A

Gene: ATAD3A (ATPase family AAA domain containing 3A; plus strand). Cytogenetic location: 1p36.33.
Variant type: single nucleotide variant.
Coding change: c.283-158G>A on transcript NM_001170535.3 (MANE Select); 158 bases into the intron before coding-DNA position 283, G replaced by A.
Molecular consequence: intron variant.
Genome position (GRCh38, 1-based): chr1:1,517,153, G>A. VCF-style: chr1-1517153-G-A. GRCh37 (hg19) VCF-style: chr1-1452533-G-A.
Other names: c.283-14G>A (NM_018188.5); c.46-158G>A (NM_001170536.3).
Identifiers: ClinVar variation 1032689 (VCV001032689.1), dbSNP rs940108737, ClinGen allele CA16779796.

ClinVar aggregate classification (germline): Uncertain significance (1 of 4 stars; one submission).

Conditions:
Harel-Yoon syndrome (HAYOS). Also called: Optic atrophy-peripheral neuropathy-developmental delay syndrome. Identifiers: Orphanet 496790, MedGen C4310677, MONDO:0014958, OMIM 617183.

Allele frequency attached by ClinVar (database versions not stated): gnomAD 0.00001; gnomAD exomes 0.00001; TOPMed 0.00005.
gnomAD v4.1: 24 of 1,548,800 alleles (0.0015%); highest among the groups gnomAD compares: Middle Eastern, 0.034%; no homozygotes.

Submission:

Baylor Genetics
Classification: Uncertain significance for Harel-Yoon syndrome. Last evaluated: 2018-05-03. Review status: criteria provided, single submitter. Criteria: ACMG Guidelines, 2015. Collection method: clinical testing. Allele origin: paternal. Affected: yes.
Comment: This variant was determined to be of uncertain significance according to ACMG Guidelines, 2015 [PMID:25741868].